The following is an entry in ClinVar:

NM_003630.3(PEX3):c.523+1G>A

Gene: PEX3 (peroxisomal biogenesis factor 3; plus strand). Cytogenetic location: 6q24.2.
Variant type: single nucleotide variant.
Coding change: c.523+1G>A on transcript NM_003630.3 (MANE Select); the canonical splice donor site of the intron after coding-DNA position 523, G replaced by A.
Molecular consequence: splice donor variant.
Genome position (GRCh38, 1-based): chr6:143,471,450, G>A. VCF-style: chr6-143471450-G-A. GRCh37 (hg19) VCF-style: chr6-143792587-G-A.
Identifiers: ClinVar variation 3653417 (VCV003653417.2).

ClinVar aggregate classification (germline): Likely pathogenic (1 of 4 stars; one submission).

Submission:

Labcorp Genetics (formerly Invitae), Labcorp
Classification: Likely pathogenic. Last evaluated: 2024-05-23. Review status: criteria provided, single submitter. Criteria: Invitae Variant Classification Sherloc (09022015). Collection method: clinical testing. Allele origin: germline.
Comment: This sequence change affects a donor splice site in intron 6 of the PEX3 gene. It is expected to disrupt RNA splicing. Variants that disrupt the donor or acceptor splice site typically lead to a loss of protein function (PMID: 16199547), and loss-of-function variants in PEX3 are known to be pathogenic (PMID: 10942428, 21031596). This variant is not present in population databases (gnomAD no frequency). This variant has not been reported in the literature in individuals affected with PEX3-related conditions. Algorithms developed to predict the effect of sequence changes on RNA splicing suggest that this variant may disrupt the consensus splice site. In summary, the currently available evidence indicates that the variant is pathogenic, but additional data are needed to prove that conclusively. Therefore, this variant has been classified as Likely Pathogenic.

Literature cited by the submitters: PubMed 16199547; PubMed 10942428; PubMed 21031596.